The following is an entry in ClinVar:

NM_021224.6(ZNF462):c.2033A>G (p.Lys678Arg)

Gene: ZNF462 (zinc finger protein 462; plus strand). Cytogenetic location: 9q31.2.
Variant type: single nucleotide variant.
Coding change: c.2033A>G on transcript NM_021224.6 (MANE Select); coding-DNA position 2033, A replaced by G.
Protein change: p.Lys678Arg; replaces lysine 678 with arginine.
Molecular consequence: missense variant.
Genome position (GRCh38, 1-based): chr9:106,925,945, A>G. VCF-style: chr9-106925945-A-G. GRCh37 (hg19) VCF-style: chr9-109688226-A-G.
Other names: c.2033A>G, p.Lys678Arg (NM_001347997.2); short protein forms K678R.
Identifiers: ClinVar variation 4984186 (VCV004984186.2).

ClinVar aggregate classification (germline): Benign/Likely benign. Review status: criteria provided, multiple submitters, no conflicts (2 of 4 stars). 2 submissions from 2 submitters: Benign (1); Likely benign (1). Last evaluated 2026-07-01.

Conditions:
ZNF462-related disorder. Also called: ZNF462-related condition; ZNF462 related disease.

gnomAD v4.1: 115 of 1,614,176 alleles (0.0071%); highest among the groups gnomAD compares: Admixed American, 0.19%; no homozygotes.

Submissions (2):

CeGaT Center for Human Genetics Tuebingen
Classification: Benign. Last evaluated: 2026-07-01. Review status: criteria provided, single submitter. Criteria: CeGaT Center For Human Genetics Tuebingen Variant Classification Criteria Version 2. Collection method: clinical testing. Allele origin: germline. Affected: yes. Observed: 1 variant allele.
Comment: ZNF462: BS1, BS2

PreventionGenetics, part of Exact Sciences
Classification: Likely benign for ZNF462-related condition. Last evaluated: 2025-01-11. Review status: criteria provided, single submitter. Criteria: ACMG Guidelines, 2015. Collection method: clinical testing. Allele origin: germline.
Comment: This variant is classified as likely benign based on ACMG/AMP sequence variant interpretation guidelines (Richards et al. 2015 PMID: 25741868, with internal and published modifications).